The following is an entry in ClinVar:

ClinVar aggregate classification (germline): Uncertain significance (1 of 4 stars; one submission).

Allele frequency attached by ClinVar (database versions not stated): gnomAD exomes below 0.00001; gnomAD 0.00001; ExAC 0.00002; 1000 Genomes Project 30x 0.00016; 1000 Genomes Project 0.00020.
gnomAD v4.1: 2 of 1,613,948 alleles (0.00012%); highest among the groups gnomAD compares: East Asian, 0.0022%; no homozygotes.

Submissions (2):

Labcorp Genetics (formerly Invitae), Labcorp
Classification: Uncertain significance. Last evaluated: 2023-06-09. Review status: criteria provided, single submitter. Criteria: Invitae Variant Classification Sherloc (09022015). Collection method: clinical testing. Allele origin: germline.
Comment: In summary, the available evidence is currently insufficient to determine the role of this variant in disease. Therefore, it has been classified as a Variant of Uncertain Significance. Variants that disrupt the consensus splice site are a relatively common cause of aberrant splicing (PMID: 17576681, 9536098). Algorithms developed to predict the effect of sequence changes on RNA splicing suggest that this variant may disrupt the consensus splice site. This variant has not been reported in the literature in individuals affected with BEST1-related conditions. This variant is present in population databases (rs565942468, gnomAD 0.01%). This sequence change affects an acceptor splice site in intron 10 of the BEST1 gene. While this variant is not anticipated to result in nonsense mediated decay, it likely alters RNA splicing and results in a disrupted protein product.

Dr. Peter K. Rogan Lab, Western University
No classification provided (evidence only). Condition: Gastric cancer. Review status: no classification provided. Collection method: in vitro. Allele origin: not applicable. Functional consequence: retained intron. Not counted in ClinVar's aggregate classification.

Literature cited by the submitters: PubMed 17576681 (cited by Labcorp Genetics (formerly Invitae), Labcorp); PubMed 9536098 (cited by Labcorp Genetics (formerly Invitae), Labcorp).

NM_004183.4(BEST1):c.1740-1G>A

Gene: BEST1 (bestrophin 1; plus strand). Cytogenetic location: 11q12.3.
Variant type: single nucleotide variant.
Coding change: c.1740-1G>A on transcript NM_004183.4 (MANE Select); the canonical splice acceptor site of the intron before coding-DNA position 1740, G replaced by A.
Molecular consequence: splice acceptor variant.
Genome position (GRCh38, 1-based): chr11:61,964,103, G>A. VCF-style: chr11-61964103-G-A. GRCh37 (hg19) VCF-style: chr11-61731575-G-A.
Other names: c.*954G>A (NM_001139443.3, NM_001363591.3, NM_001363593.3); c.*1844G>A (NM_001363592.2); c.1560-1G>A (NM_001300787.2); c.1479-1G>A (NM_001300786.2).
Identifiers: ClinVar variation 2877367 (VCV002877367.4), dbSNP rs565942468, ClinGen allele CA6041165.